The following is an entry in ClinVar:

ClinVar aggregate classification (germline): Uncertain significance. Review status: criteria provided, multiple submitters, no conflicts (2 of 4 stars). 2 submissions from 2 submitters: Uncertain significance (2). Last evaluated 2023-06-16.

Conditions:
Early-onset Lafora body disease. Also called: Epilepsy, progressive myoclonic, 10. Identifiers: Orphanet 324290, MedGen C4225258, MONDO:0014717, OMIM 616640.

Allele frequency attached by ClinVar (database versions not stated): ExAC below 0.00001; gnomAD 0.00008; ESP Exome Variant Server 0.00012; TOPMed 0.00012.

Submissions (2):

Ambry Genetics
Classification: Uncertain significance. Last evaluated: 2023-06-16. Review status: criteria provided, single submitter. Criteria: Ambry Variant Classification Scheme 2023. Collection method: clinical testing. Allele origin: germline.

Labcorp Genetics (formerly Invitae), Labcorp
Classification: Uncertain significance for Early-onset Lafora body disease. Last evaluated: 2022-08-09. Review status: criteria provided, single submitter. Criteria: Invitae Variant Classification Sherloc (09022015). Collection method: clinical testing. Allele origin: germline.
Comment: This sequence change replaces alanine, which is neutral and non-polar, with serine, which is neutral and polar, at codon 541 of the PRDM8 protein (p.Ala541Ser). The frequency data for this variant in the population databases is considered unreliable, as metrics indicate poor data quality at this position in the gnomAD database. This variant has not been reported in the literature in individuals affected with PRDM8-related conditions. ClinVar contains an entry for this variant (Variation ID: 940385). Algorithms developed to predict the effect of missense changes on protein structure and function output the following: SIFT: "Tolerated"; PolyPhen-2: "Possibly Damaging"; Align-GVGD: "Class C0". The serine amino acid residue is found in multiple mammalian species, which suggests that this missense change does not adversely affect protein function. In summary, the available evidence is currently insufficient to determine the role of this variant in disease. Therefore, it has been classified as a Variant of Uncertain Significance.

NM_001099403.2(PRDM8):c.1621G>T (p.Ala541Ser)

Gene: PRDM8 (PR/SET domain 8; plus strand). Cytogenetic location: 4q21.21.
Variant type: single nucleotide variant.
Coding change: c.1621G>T on transcript NM_001099403.2 (MANE Select); coding-DNA position 1621, G replaced by T.
Protein change: p.Ala541Ser; replaces alanine 541 with serine.
Molecular consequence: missense variant.
Genome position (GRCh38, 1-based): chr4:80,203,083, G>T. VCF-style: chr4-80203083-G-T. GRCh37 (hg19) VCF-style: chr4-81124237-G-T.
Other names: c.1621G>T, p.Ala541Ser (NM_020226.4); short protein forms A541S.
Identifiers: ClinVar variation 940385 (VCV000940385.8), dbSNP rs371675673, ClinGen allele CA2982417.